The following is an entry in ClinVar:

ClinVar aggregate classification (germline): Uncertain significance (1 of 4 stars; one submission).

Conditions:
Neuroblastoma, susceptibility to, 3. Also called: ALK-Related Neuroblastic Tumor Susceptibility. Identifiers: Orphanet 635, MedGen C2751681, MONDO:0013083, OMIM 613014.

Allele frequency attached by ClinVar (database versions not stated): gnomAD exomes below 0.00001.

Submission:

Labcorp Genetics (formerly Invitae), Labcorp
Classification: Uncertain significance for Neuroblastoma, susceptibility to, 3. Last evaluated: 2022-03-07. Review status: criteria provided, single submitter. Criteria: Invitae Variant Classification Sherloc (09022015). Collection method: clinical testing. Allele origin: germline.
Comment: In summary, the available evidence is currently insufficient to determine the role of this variant in disease. Therefore, it has been classified as a Variant of Uncertain Significance. Algorithms developed to predict the effect of missense changes on protein structure and function (SIFT, PolyPhen-2, Align-GVGD) all suggest that this variant is likely to be disruptive. ClinVar contains an entry for this variant (Variation ID: 1056017). This variant has not been reported in the literature in individuals affected with ALK-related conditions. This variant is present in population databases (no rsID available, gnomAD 0.003%). This sequence change replaces serine, which is neutral and polar, with threonine, which is neutral and polar, at codon 754 of the ALK protein (p.Ser754Thr).

NM_004304.5(ALK):c.2260T>A (p.Ser754Thr)

Gene: ALK (ALK receptor tyrosine kinase; minus strand). Cytogenetic location: 2p23.2.
Variant type: single nucleotide variant.
Coding change: c.2260T>A on transcript NM_004304.5 (MANE Select); coding-DNA position 2260, T replaced by A.
Protein change: p.Ser754Thr; replaces serine 754 with threonine.
Molecular consequence: missense variant.
Genome position (GRCh38, 1-based): chr2:29,239,775, A>T on the plus strand (T>A on the coding strand, the complement: ALK is on the minus strand). VCF-style: chr2-29239775-A-T. GRCh37 (hg19) VCF-style: chr2-29462641-A-T.
Other names: short protein forms S754T.
Identifiers: ClinVar variation 1056017 (VCV001056017.10), dbSNP rs1278118769, ClinGen allele CA346474598.